The following is an entry in ClinVar:

ClinVar aggregate classification (germline): Likely benign. Review status: criteria provided, multiple submitters, no conflicts (2 of 4 stars). 2 submissions from 2 submitters: Likely benign (2). Last evaluated 2024-01-24.

Allele frequency attached by ClinVar (database versions not stated): gnomAD 0.00001; TOPMed 0.00001; ExAC 0.00002; gnomAD exomes 0.00002.
gnomAD v4.1: 23 of 1,590,122 alleles (0.0014%); highest among the groups gnomAD compares: Non-Finnish European, 0.0018%; no homozygotes.

Submissions (2):

Labcorp Genetics (formerly Invitae), Labcorp
Classification: Likely benign. Last evaluated: 2024-01-24. Review status: criteria provided, single submitter. Criteria: Invitae Variant Classification Sherloc (09022015). Collection method: clinical testing. Allele origin: germline.

Laboratory for Molecular Medicine, Mass General Brigham Personalized Medicine
Classification: Likely benign. Last evaluated: 2012-12-28. Review status: criteria provided, single submitter. Criteria: LMM Criteria. Collection method: clinical testing. Allele origin: germline. Observed: 1 variant allele.
Comment: 5524+15C>T in Intron 26 of GPR98: This variant is not expected to have clinical significance because it is not located within the conserved region of the splice consensus sequence.

NM_032119.4(ADGRV1):c.5524+15C>T

Gene: ADGRV1 (adhesion G protein-coupled receptor V1; plus strand). Cytogenetic location: 5q14.3.
Variant type: single nucleotide variant.
Coding change: c.5524+15C>T on transcript NM_032119.4 (MANE Select); 15 bases into the intron after coding-DNA position 5524, C replaced by T.
Molecular consequence: intron variant.
Genome position (GRCh38, 1-based): chr5:90,679,644, C>T. VCF-style: chr5-90679644-C-T. GRCh37 (hg19) VCF-style: chr5-89975461-C-T.
Identifiers: ClinVar variation 46336 (VCV000046336.11), dbSNP rs397517432, ClinGen allele CA138145.